The following is an entry in ClinVar:

NM_005534.4(IFNGR2):c.308C>T (p.Ala103Val)

Gene: IFNGR2 (interferon gamma receptor 2; plus strand). Cytogenetic location: 21q22.11.
Variant type: single nucleotide variant.
Coding change: c.308C>T on transcript NM_005534.4 (MANE Select); coding-DNA position 308, C replaced by T.
Protein change: p.Ala103Val; replaces alanine 103 with valine.
Molecular consequence: missense variant.
Genome position (GRCh38, 1-based): chr21:33,421,581, C>T. VCF-style: chr21-33421581-C-T. GRCh37 (hg19) VCF-style: chr21-34793888-C-T.
Other names: c.365C>T, p.Ala122Val (NM_001329128.2); short protein forms A103V, A122V.
Identifiers: ClinVar variation 576275 (VCV000576275.8), dbSNP rs139212989, ClinGen allele CA10006912.

ClinVar aggregate classification (germline): Uncertain significance. Review status: criteria provided, multiple submitters, no conflicts (2 of 4 stars). 2 submissions from 2 submitters: Uncertain significance (2). Last evaluated 2022-10-18.

Conditions:
Immunodeficiency 28 (IMD28). Also called: IFNGR2 DEFICIENCY. Identifiers: Orphanet 319547, Orphanet 319574, MedGen C4013947, MONDO:0013953, OMIM 614889.
Inborn genetic diseases. Identifiers: MedGen C0950123, MeSH D030342.

Allele frequency attached by ClinVar (database versions not stated): gnomAD 0.00024 and 0.00026; gnomAD exomes 0.00024 and 0.00047; TOPMed 0.00025; ExAC 0.00026; ESP Exome Variant Server 0.00031.
gnomAD v4.1: 702 of 1,613,908 alleles (0.043%); highest among the groups gnomAD compares: Non-Finnish European, 0.055%; no homozygotes.

Submissions (2):

Labcorp Genetics (formerly Invitae), Labcorp
Classification: Uncertain significance for Immunodeficiency 28. Last evaluated: 2022-10-18. Review status: criteria provided, single submitter. Criteria: Invitae Variant Classification Sherloc (09022015). Collection method: clinical testing. Allele origin: germline.
Comment: This sequence change replaces alanine, which is neutral and non-polar, with valine, which is neutral and non-polar, at codon 103 of the IFNGR2 protein (p.Ala103Val). This variant is present in population databases (rs139212989, gnomAD 0.05%). This variant has not been reported in the literature in individuals affected with IFNGR2-related conditions. ClinVar contains an entry for this variant (Variation ID: 576275). Algorithms developed to predict the effect of missense changes on protein structure and function (SIFT, PolyPhen-2, Align-GVGD) all suggest that this variant is likely to be tolerated. In summary, the available evidence is currently insufficient to determine the role of this variant in disease. Therefore, it has been classified as a Variant of Uncertain Significance.

Ambry Genetics
Classification: Uncertain significance for Inborn genetic diseases. Last evaluated: 2021-07-06. Review status: criteria provided, single submitter. Criteria: Ambry Variant Classification Scheme 2023. Collection method: clinical testing. Allele origin: germline.